The following is an entry in ClinVar:

ClinVar aggregate classification (germline): Uncertain significance (1 of 4 stars; one submission).

Allele frequency attached by ClinVar (database versions not stated): gnomAD exomes below 0.00001.
gnomAD v4.1: 1 of 1,554,144 alleles (0.000064%); highest among the groups gnomAD compares: Non-Finnish European, 0.000087%; no homozygotes.

Submission:

GeneDx
Classification: Uncertain significance. Last evaluated: 2025-03-10. Review status: criteria provided, single submitter. Criteria: GeneDx Variant Classification Process June 2021. Collection method: clinical testing. Allele origin: germline. Affected: yes.
Comment: In silico analysis supports a deleterious effect on splicing; Has not been previously published as pathogenic or benign to our knowledge

NM_030632.3(ASXL3):c.567G>A (p.Val189=)

Gene: ASXL3 (ASXL transcriptional regulator 3; plus strand). Cytogenetic location: 18q12.1.
Variant type: single nucleotide variant.
Coding change: c.567G>A on transcript NM_030632.3 (MANE Select); coding-DNA position 567, G replaced by A.
Protein change: p.Val189=; no amino-acid change (valine 189 retained).
Molecular consequence: synonymous variant.
Genome position (GRCh38, 1-based): chr18:33,670,762, G>A. VCF-style: chr18-33670762-G-A. GRCh37 (hg19) VCF-style: chr18-31250726-G-A.
Identifiers: ClinVar variation 2572965 (VCV002572965.2), dbSNP rs1382203896, ClinGen allele CA503617848.